The following is an entry in ClinVar:

NM_147196.3(TMIE):c.251G>T (p.Arg84Leu)

Gene: TMIE (transmembrane inner ear; plus strand). Cytogenetic location: 3p21.31.
Variant type: single nucleotide variant.
Coding change: c.251G>T on transcript NM_147196.3 (MANE Select); coding-DNA position 251, G replaced by T.
Protein change: p.Arg84Leu; replaces arginine 84 with leucine.
Molecular consequence: missense variant.
Genome position (GRCh38, 1-based): chr3:46,709,165, G>T. VCF-style: chr3-46709165-G-T. GRCh37 (hg19) VCF-style: chr3-46750655-G-T.
Other names: c.92G>T, p.Arg31Leu (NM_001370524.1, NM_001370525.1); short protein forms R84L, R31L.
Identifiers: ClinVar variation 47958 (VCV000047958.5), dbSNP rs397517866, ClinGen allele CA261934.

ClinVar aggregate classification (germline): Likely pathogenic (1 of 4 stars; one submission).

Conditions:
Rare genetic deafness. Identifiers: Orphanet 96210, MedGen C5680250.

Submission:

Laboratory for Molecular Medicine, Mass General Brigham Personalized Medicine
Classification: Likely pathogenic for Rare genetic deafness. Last evaluated: 2013-01-18. Review status: criteria provided, single submitter. Criteria: LMM Criteria. Collection method: clinical testing. Allele origin: germline. Observed: 2 variant alleles.
Comment: The Arg84Leu variant in TMIE has not been reported in the literature nor previou sly identified by our laboratory. However, another pathogenic variant affecting the same amino acid (Arg84Trp) has been reported as a founder mutation in the Tu rkish population (Sirmaci 2009). The Arg84Leu variant has not been identified in large and broad populations by the NHLBI Exome Sequencing Project (s.). Computational analyses (biochemical amino acid propertie s, conservation, AlignGVGD, PolyPhen2, and SIFT) suggest that the Arg84Leu varia nt may impact the protein, though this information is not predictive enough to d etermine pathogenicity. In summary, the clinical significance of this variant ca nnot be determined with certainty; however, its occurrence at the same amino aci d position of another known pathogenic mutation and the presence of a second var iant in trans in this individual's son support a likely pathogenic role.

Literature cited by the submitters: PubMed 19438934.